The following is an entry in ClinVar:

NM_004928.3(CFAP410):c.79G>A (p.Gly27Ser)

Gene: CFAP410 (cilia and flagella associated protein 410; minus strand). Cytogenetic location: 21q22.3.
Variant type: single nucleotide variant.
Coding change: c.79G>A on transcript NM_004928.3 (MANE Select); coding-DNA position 79, G replaced by A.
Protein change: p.Gly27Ser; replaces glycine 27 with serine.
Molecular consequence: missense variant. On other transcripts: 5 prime UTR variant (1).
Genome position (GRCh38, 1-based): chr21:44,337,666, C>T on the plus strand (G>A on the coding strand, the complement: CFAP410 is on the minus strand). VCF-style: chr21-44337666-C-T. GRCh37 (hg19) VCF-style: chr21-45757549-C-T.
Other names: c.79G>A, p.Gly27Ser (NM_001271440.2, NM_001271441.2); c.-133G>A (NM_001271442.1); short protein forms G27S.
Identifiers: ClinVar variation 1000301 (VCV001000301.6), dbSNP rs768252634, ClinGen allele CA410459977.
Genomic context (GRCh38, chr21:44,337,666, plus strand): 5'-GAGATGATCAGTGCAATACTTACATCTGTGAGGCAATACTTACATCTGTGAGGCGGCTGC[C>T]CCTGGGGAGAGAAAAGATACATACTTTAATTTTGTTAAAGTTGAATAAAAAACACTGAAG-3'
Protein context (NP_004919.1, residues 17-37): LHSVRKLNCW[Gly27Ser]SRLTDISICQ

ClinVar aggregate classification (germline): Uncertain significance (1 of 4 stars; one submission).

Allele frequency attached by ClinVar (database versions not stated): TOPMed below 0.00001; gnomAD 0.00001.
gnomAD v4.1: 5 of 1,612,318 alleles (0.00031%); highest among the groups gnomAD compares: Non-Finnish European, 0.00034%; no homozygotes.

Submission:

Labcorp Genetics (formerly Invitae), Labcorp
Classification: Uncertain significance. Last evaluated: 2021-08-26. Review status: criteria provided, single submitter. Criteria: Invitae Variant Classification Sherloc (09022015). Collection method: clinical testing. Allele origin: germline.
Comment: This sequence change replaces glycine with serine at codon 27 of the CFAP410 protein (p.Gly27Ser). The glycine residue is moderately conserved and there is a small physicochemical difference between glycine and serine. This variant is not present in population databases (ExAC no frequency). This variant has not been reported in the literature in individuals affected with CFAP410-related conditions. Algorithms developed to predict the effect of missense changes on protein structure and function are either unavailable or do not agree on the potential impact of this missense change (SIFT: "Tolerated"; PolyPhen-2: "Probably Damaging"; Align-GVGD: "Class C0"). In summary, the available evidence is currently insufficient to determine the role of this variant in disease. Therefore, it has been classified as a Variant of Uncertain Significance.